The following is an entry in ClinVar:

NM_005215.4(DCC):c.1256A>G (p.Lys419Arg)

Gene: DCC (DCC netrin 1 receptor; plus strand). Cytogenetic location: 18q21.2.
Variant type: single nucleotide variant.
Coding change: c.1256A>G on transcript NM_005215.4 (MANE Select); coding-DNA position 1256, A replaced by G.
Protein change: p.Lys419Arg; replaces lysine 419 with arginine.
Molecular consequence: missense variant.
Genome position (GRCh38, 1-based): chr18:53,066,161, A>G. VCF-style: chr18-53066161-A-G. GRCh37 (hg19) VCF-style: chr18-50592531-A-G.
Other names: short protein forms K419R.
Identifiers: ClinVar variation 719574 (VCV000719574.31), dbSNP rs144623089, ClinGen allele CA8966772.

ClinVar aggregate classification (germline): Conflicting classifications of pathogenicity. Review status: criteria provided, conflicting classifications (1 of 4 stars). 5 submissions from 5 submitters: Uncertain significance (1); Likely benign (3). 1 of the submissions does not count toward it. Last evaluated 2024-11-25.

Conditions:
DCC-related disorder. Also called: DCC-related condition.
Gaze palsy, familial horizontal, with progressive scoliosis, 2. Also called: DEVELOPMENTAL SPLIT-BRAIN SYNDROME; GAZE PALSY, FAMILIAL HORIZONTAL, WITH PROGRESSIVE SCOLIOSIS 2, WITH IMPAIRED INTELLECTUAL DEVELOPMENT. Identifiers: MedGen C4479640, MONDO:0054602, OMIM 617542.

Allele frequency attached by ClinVar (database versions not stated): 1000 Genomes Project 0.00140; 1000 Genomes Project 30x 0.00156; gnomAD exomes 0.00425; TOPMed 0.00253; ESP Exome Variant Server 0.00323.
gnomAD v4.1: 6,572 of 1,613,030 alleles (0.41%); highest among the groups gnomAD compares: Non-Finnish European, 0.5%; 16 homozygotes.

Submissions (5):

Blueprint Genetics
Classification: Likely benign. Last evaluated: 2024-11-25. Review status: criteria provided, single submitter. Criteria: ACMG Guidelines, 2015. Collection method: clinical testing. Allele origin: germline.

CeGaT Center for Human Genetics Tuebingen
Classification: Likely benign. Last evaluated: 2023-12-01. Review status: criteria provided, single submitter. Criteria: CeGaT Center For Human Genetics Tuebingen Variant Classification Criteria Version 2. Collection method: clinical testing. Allele origin: germline. Affected: yes. Observed: 2 variant alleles.
Comment: DCC: BP4

Labcorp Genetics (formerly Invitae), Labcorp
Classification: Likely benign. Last evaluated: 2019-12-31. Review status: criteria provided, single submitter. Criteria: Invitae Variant Classification Sherloc (09022015). Collection method: clinical testing. Allele origin: germline.

Baylor Genetics
Classification: Uncertain significance for Gaze palsy, familial horizontal, with progressive scoliosis, 2. Last evaluated: 2018-10-12. Review status: criteria provided, single submitter. Criteria: ACMG Guidelines, 2015. Collection method: clinical testing. Allele origin: unknown. Affected: yes.
Comment: This variant was determined to be of uncertain significance according to ACMG Guidelines, 2015 [PMID:25741868].

PreventionGenetics, part of Exact Sciences
Classification: Likely benign for DCC-related condition. Last evaluated: 2022-04-07. Review status: no assertion criteria provided. Collection method: clinical testing. Allele origin: germline. Not counted in ClinVar's aggregate classification.
Comment: This variant is classified as likely benign based on ACMG/AMP sequence variant interpretation guidelines (Richards et al. 2015 PMID: 25741868, with internal and published modifications).